The following is an entry in ClinVar:

NM_002473.6(MYH9):c.4270G>T (p.Asp1424Tyr)

Gene: MYH9 (myosin heavy chain 9; minus strand). Cytogenetic location: 22q12.3.
Variant type: single nucleotide variant.
Coding change: c.4270G>T on transcript NM_002473.6 (MANE Select); coding-DNA position 4270, G replaced by T.
Protein change: p.Asp1424Tyr; replaces aspartic acid 1424 with tyrosine.
Molecular consequence: missense variant.
Genome position (GRCh38, 1-based): chr22:36,292,060, C>A on the plus strand (G>T on the coding strand, the complement: MYH9 is on the minus strand). VCF-style: chr22-36292060-C-A. GRCh37 (hg19) VCF-style: chr22-36688106-C-A.
Other names: short protein forms D1424Y.
Identifiers: ClinVar variation 38966 (VCV000038966.13), dbSNP rs80338831, ClinGen allele CA343280.

ClinVar aggregate classification (germline): Pathogenic/Likely pathogenic. Review status: criteria provided, multiple submitters, no conflicts (2 of 4 stars). 5 submissions from 5 submitters: Pathogenic (2); Likely pathogenic (1). 2 of the submissions do not count toward it. Last evaluated 2025-05-05.

Conditions:
MYH9-related disorder. Identifiers: MedGen C1854520.
Macrothrombocytopenia and granulocyte inclusions with or without nephritis or sensorineural hearing loss (MATINS). Also called: BLEEDING DISORDER, PLATELET-TYPE, 6; Fechtner syndrome; Epstein syndrome; Giant platelet syndrome with thrombocytopenia; SEBASTIAN PLATELET SYNDROME; MACROTHROMBOCYTOPENIA WITH DISPERSED LEUKOCYTIC INCLUSIONS. Identifiers: Orphanet 182050, MedGen C5200934, MONDO:0015912, OMIM 155100.

Submissions (5):

GeneDx
Classification: Likely pathogenic. Last evaluated: 2025-05-05. Review status: criteria provided, single submitter. Criteria: GeneDx Variant Classification Process June 2021. Collection method: clinical testing. Allele origin: germline. Affected: yes.
Comment: Not observed at significant frequency in large population cohorts (gnomAD); In silico analysis supports that this missense variant has a deleterious effect on protein structure/function; This variant is associated with the following publications: (PMID: 26226608, 32581362, 16098078, 24186861, 11776386, 31064749)

Labcorp Genetics (formerly Invitae), Labcorp
Classification: Pathogenic. Last evaluated: 2022-09-06. Review status: criteria provided, single submitter. Criteria: Invitae Variant Classification Sherloc (09022015). Collection method: clinical testing. Allele origin: germline.
Comment: This variant disrupts the p.Asp1424 amino acid residue in MYH9. Other variant(s) that disrupt this residue have been determined to be pathogenic (PMID: 11159552, 23207509). This suggests that this residue is clinically significant, and that variants that disrupt this residue are likely to be disease-causing. For these reasons, this variant has been classified as Pathogenic. Algorithms developed to predict the effect of missense changes on protein structure and function are either unavailable or do not agree on the potential impact of this missense change (SIFT: "Tolerated"; PolyPhen-2: "Probably Damaging"; Align-GVGD: "Class C0"). ClinVar contains an entry for this variant (Variation ID: 38966). This missense change has been observed in individuals with MYH9-related disorders (PMID: 11776386, 16098078, 24186861, 26226608). This variant is not present in population databases (gnomAD no frequency). This sequence change replaces aspartic acid, which is acidic and polar, with tyrosine, which is neutral and polar, at codon 1424 of the MYH9 protein (p.Asp1424Tyr).

NIHR Bioresource Rare Diseases, University of Cambridge
Classification: Pathogenic for MYH9-related disorder. Last evaluated: 2018-12-12. Review status: criteria provided, single submitter. Criteria: ACMG Guidelines, 2015. Collection method: research. Allele origin: unknown. Inheritance: Autosomal dominant inheritance. Affected: yes. Observed: 3 heterozygotes.
Comment: PS4, PP1_strong, PM2, PP4, PP3

GeneReviews
No classification provided. Condition: Macrothrombocytopenia and granulocyte inclusions with or without nephritis or sensorineural hearing loss. Review status: no classification provided. Collection method: literature only. Allele origin: germline. Not counted in ClinVar's aggregate classification.

ISTH-SSC Genomics in Thrombosis and Hemostasis, KU Leuven, Center for Molecular and Vascular Biology
Classification: Pathogenic for Macrothrombocytopenia and granulocyte inclusions with or without nephritis or sensorineural hearing loss. Review status: no assertion criteria provided. Collection method: research. Allele origin: unknown. Affected: yes. Not counted in ClinVar's aggregate classification.
Comment: Submitted to GoldVariant by Dr Karyn Mégy from NIHR Bioresource - Cambridge University, UK

Literature cited by the submitters: PubMed 11159552 (cited by Labcorp Genetics (formerly Invitae), Labcorp); PubMed 23207509 (cited by Labcorp Genetics (formerly Invitae), Labcorp); PubMed 11776386 (cited by Labcorp Genetics (formerly Invitae), Labcorp); PubMed 16098078 (cited by Labcorp Genetics (formerly Invitae), Labcorp); PubMed 24186861 (cited by Labcorp Genetics (formerly Invitae), Labcorp); PubMed 26226608 (cited by Labcorp Genetics (formerly Invitae), Labcorp); NCBI Bookshelf NBK2689 (cited by GeneReviews).